The following is an entry in ClinVar:

ClinVar aggregate classification (germline): Uncertain significance (1 of 4 stars; one submission).

Conditions:
Charcot-Marie-Tooth disease type 4. Also called: Charcot-Marie-Tooth disease, type IV; Charcot-Marie-Tooth, Type 4. Identifiers: Orphanet 64749, MedGen C4082197, MONDO:0018995.

Allele frequency attached by ClinVar (database versions not stated): gnomAD exomes below 0.00001.
gnomAD v4.1: 2 of 1,614,138 alleles (0.00012%); highest among the groups gnomAD compares: Non-Finnish European, 0.000085%; no homozygotes.

Submission:

Labcorp Genetics (formerly Invitae), Labcorp
Classification: Uncertain significance for Charcot-Marie-Tooth disease type 4. Last evaluated: 2021-11-01. Review status: criteria provided, single submitter. Criteria: Invitae Variant Classification Sherloc (09022015). Collection method: clinical testing. Allele origin: germline.
Comment: This sequence change replaces glycine, which is neutral and non-polar, with glutamic acid, which is acidic and polar, at codon 870 of the SH3TC2 protein (p.Gly870Glu). This variant is not present in population databases (gnomAD no frequency). This variant has not been reported in the literature in individuals affected with SH3TC2-related conditions. ClinVar contains an entry for this variant (Variation ID: 849133). Advanced modeling of protein sequence and biophysical properties (such as structural, functional, and spatial information, amino acid conservation, physicochemical variation, residue mobility, and thermodynamic stability) performed at Invitae indicates that this missense variant is not expected to disrupt SH3TC2 protein function. In summary, the available evidence is currently insufficient to determine the role of this variant in disease. Therefore, it has been classified as a Variant of Uncertain Significance.

NM_024577.4(SH3TC2):c.2609G>A (p.Gly870Glu)

Gene: SH3TC2 (SH3 domain and tetratricopeptide repeats 2; minus strand). Cytogenetic location: 5q32.
Variant type: single nucleotide variant.
Coding change: c.2609G>A on transcript NM_024577.4 (MANE Select); coding-DNA position 2609, G replaced by A.
Protein change: p.Gly870Glu; replaces glycine 870 with glutamic acid.
Molecular consequence: missense variant.
Genome position (GRCh38, 1-based): chr5:149,027,123, C>T on the plus strand (G>A on the coding strand, the complement: SH3TC2 is on the minus strand). VCF-style: chr5-149027123-C-T. GRCh37 (hg19) VCF-style: chr5-148406686-C-T.
Other names: short protein forms G870E.
Identifiers: ClinVar variation 849133 (VCV000849133.5), dbSNP rs1754079774, ClinGen allele CA361666012.